The following is an entry in ClinVar:

ClinVar aggregate classification (germline): Pathogenic. Review status: criteria provided, multiple submitters, no conflicts (2 of 4 stars). 2 submissions from 2 submitters: Pathogenic (2). Last evaluated 2020-04-02.

Conditions:
Familial cancer of breast. Also called: BREAST CANCER, FAMILIAL; hereditary breast carcinoma; Hereditary breast cancer. Identifiers: Orphanet 227535, MedGen C0346153, MONDO:0016419, OMIM 114480. Disease mechanism: loss of function.
Ataxia-telangiectasia syndrome (AT). Also called: Ataxia-telangiectasia, complementation group D; AT, COMPLEMENTATION GROUP C; Ataxia-telangiectasia; ATAXIA-TELANGIECTASIA, COMPLEMENTATION GROUP A; ATAXIA-TELANGIECTASIA, FRESNO VARIANT; LOUIS-BAR SYNDROME. Identifiers: Orphanet 100, MedGen C0004135, MONDO:0008840, OMIM 208900.

Allele frequency attached by ClinVar (database versions not stated): gnomAD exomes below 0.00001.
gnomAD v4.1: 1 of 1,598,180 alleles (0.000063%); highest among the groups gnomAD compares: Non-Finnish European, 0.000086%; no homozygotes.

Submissions (2):

Department of Molecular Diagnostics, Institute of Oncology Ljubljana
Classification: Pathogenic for Familial cancer of breast. Last evaluated: 2020-04-02. Review status: criteria provided, single submitter. Criteria: ACMG Guidelines, 2015. Collection method: clinical testing. Allele origin: germline. Affected: yes.

Labcorp Genetics (formerly Invitae), Labcorp
Classification: Pathogenic for Ataxia-telangiectasia syndrome. Last evaluated: 2018-08-04. Review status: criteria provided, single submitter. Criteria: Invitae Variant Classification Sherloc (09022015). Collection method: clinical testing. Allele origin: germline.
Comment: This sequence change affects an acceptor splice site in intron 22 of the ATM gene. It is expected to disrupt RNA splicing and likely results in an absent or disrupted protein product. This variant is not present in population databases (ExAC no frequency). This variant has been observed in combination with a different pathogenic variant in two siblings affected with ataxia-telangiectasia (PMID: 21965147). Experimental studies have shown that this sequence change leads to aberrant splicing and a truncated protein product (PMID: 21965147). Donor and acceptor splice site variants typically lead to a loss of protein function (PMID: 16199547), and loss-of-function variants in ATM are known to be pathogenic (PMID: 23807571, 25614872). For these reasons, this variant has been classified as Pathogenic.

Literature cited by the submitters: PubMed 21965147 (cited by Labcorp Genetics (formerly Invitae), Labcorp); PubMed 16199547 (cited by Labcorp Genetics (formerly Invitae), Labcorp); PubMed 23807571 (cited by Labcorp Genetics (formerly Invitae), Labcorp); PubMed 25614872 (cited by Labcorp Genetics (formerly Invitae), Labcorp).

NM_000051.4(ATM):c.3285-2A>G

Gene: ATM (ATM serine/threonine kinase; plus strand). Cytogenetic location: 11q22.3.
Variant type: single nucleotide variant.
Coding change: c.3285-2A>G on transcript NM_000051.4 (MANE Select); the canonical splice acceptor site of the intron before coding-DNA position 3285, A replaced by G.
Molecular consequence: splice acceptor variant.
Genome position (GRCh38, 1-based): chr11:108,279,489, A>G. VCF-style: chr11-108279489-A-G. GRCh37 (hg19) VCF-style: chr11-108150216-A-G.
Other names: c.3285-2A>G (NM_001351834.2).
Identifiers: ClinVar variation 638928 (VCV000638928.9), dbSNP rs1591631876, ClinGen allele CA382517203.
Genomic context (GRCh38, chr11:108,279,489, plus strand): 5'-TAGGGTTTGAAATTAGAAAATTATTTCACTTTTTGTTTGTTTGTTTGCTTGCTTGTTTTA[A>G]GATTGTTCCAGGACACGAAGGGAGATTCTTCCAGGTTACTGAAAGCACTTCCTTTGAAGC-3'